The following is an entry in ClinVar:

ClinVar aggregate classification (germline): Benign. Review status: criteria provided, single submitter (1 of 4 stars). 2 submissions from 2 submitters: Benign (1). 1 of the submissions does not count toward it. Last evaluated 2024-07-30.

Conditions:
KMT2D-related disorder. Also called: KMT2D-Related Disorders.
Kabuki syndrome. Also called: Kabuki make-up syndrome; NIIKAWA-KUROKI SYNDROME. Identifiers: Orphanet 2322, MedGen C0796004, MONDO:0016512.

Allele frequency attached by ClinVar (database versions not stated): gnomAD exomes below 0.00001; gnomAD 0.00001; TOPMed 0.00001; ExAC 0.00002; ESP Exome Variant Server 0.00008.

Submissions (2):

Labcorp Genetics (formerly Invitae), Labcorp
Classification: Benign for Kabuki syndrome. Last evaluated: 2024-07-30. Review status: criteria provided, single submitter. Criteria: Invitae Variant Classification Sherloc (09022015). Collection method: clinical testing. Allele origin: germline.

PreventionGenetics, part of Exact Sciences
Classification: Likely benign for KMT2D-related condition. Last evaluated: 2023-12-27. Review status: no assertion criteria provided. Collection method: clinical testing. Allele origin: germline. Not counted in ClinVar's aggregate classification.
Comment: This variant is classified as likely benign based on ACMG/AMP sequence variant interpretation guidelines (Richards et al. 2015 PMID: 25741868, with internal and published modifications).

NM_003482.4(KMT2D):c.9111C>T (p.His3037=)

Gene: KMT2D (lysine methyltransferase 2D; minus strand). Cytogenetic location: 12q13.12.
Variant type: single nucleotide variant.
Coding change: c.9111C>T on transcript NM_003482.4 (MANE Select); coding-DNA position 9111, C replaced by T.
Protein change: p.His3037=; no amino-acid change (histidine 3037 retained).
Molecular consequence: synonymous variant.
Genome position (GRCh38, 1-based): chr12:49,038,245, G>A on the plus strand (C>T on the coding strand, the complement: KMT2D is on the minus strand). VCF-style: chr12-49038245-G-A. GRCh37 (hg19) VCF-style: chr12-49432028-G-A.
Identifiers: ClinVar variation 2850644 (VCV002850644.5), dbSNP rs374862005, ClinGen allele CA6546742.